The following is an entry in ClinVar:

ClinVar aggregate classification (germline): Conflicting classifications of pathogenicity. Review status: criteria provided, conflicting classifications (1 of 4 stars). 5 submissions from 5 submitters: Pathogenic (2); Likely pathogenic (1); Uncertain significance (1). 1 of the submissions does not count toward it. Last evaluated 2025-02-22.

Conditions:
Retinitis pigmentosa 14 (RP14). Also called: RETINITIS PIGMENTOSA, JUVENILE, TULP1-RELATED. Identifiers: Orphanet 791, MedGen C1838603, MONDO:0010827, OMIM 600132.
Leber congenital amaurosis 15 (LCA15). Identifiers: Orphanet 65, MedGen C3151206, MONDO:0013457, OMIM 613843.
Retinitis pigmentosa (RP). Identifiers: Orphanet 791, MedGen C0035334, MeSH D012174, MONDO:0019200, OMIM 268000. Inheritance: Autosomal dominant, autosomal recessive and X linked inheritance.

Allele frequency attached by ClinVar (database versions not stated): gnomAD exomes 0.00001.
gnomAD v4.1: 10 of 1,592,950 alleles (0.00063%); highest among the groups gnomAD compares: East Asian, 0.018%; no homozygotes.

Submissions (5):

3billion
Classification: Pathogenic for Retinitis pigmentosa 14. Last evaluated: 2025-02-22. Review status: criteria provided, single submitter. Criteria: ACMG Guidelines, 2015. Collection method: clinical testing. Allele origin: germline. Affected: yes.
Comment: The variant is observed at an extremely low frequency in the gnomAD v4.1.0 dataset (total allele frequency: <0.001%). Predicted Consequence/Location: Missense variant In silico tools predict the variant to alter splicing and produce an abnormal transcript [SpliceAI: 0.47 (>=0.2, moderate evidence for spliceogenicity)]. The same nucleotide change resulting in the same amino acid change has been previously reported as pathogenic/likely pathogenic with strong evidence (ClinVar ID: VCV000143126 /PMID: 25324289 /3billion dataset). The variant has been reported to be in trans with a pathogenic variant as either compound heterozygous or homozygous in at least one similarly affected unrelated individual (PMID: 25324289). Therefore, this variant is classified as Pathogenic according to the recommendation of ACMG/AMP guideline.

Fulgent Genetics
Classification: Likely pathogenic for Retinitis pigmentosa 14; Leber congenital amaurosis 15. Last evaluated: 2024-03-29. Review status: criteria provided, single submitter. Criteria: ACMG Guidelines, 2015. Collection method: clinical testing. Allele origin: germline.

Labcorp Genetics (formerly Invitae), Labcorp
Classification: Pathogenic. Last evaluated: 2024-01-28. Review status: criteria provided, single submitter. Criteria: Invitae Variant Classification Sherloc (09022015). Collection method: clinical testing. Allele origin: germline.
Comment: This sequence change replaces glutamic acid, which is acidic and polar, with lysine, which is basic and polar, at codon 117 of the TULP1 protein (p.Glu117Lys). This variant also falls at the last nucleotide of exon 4, which is part of the consensus splice site for this exon. The frequency data for this variant in the population databases is considered unreliable, as metrics indicate poor data quality at this position in the gnomAD database. This missense change has been observed in individuals with retinitis pigmentosa (PMID: 25324289, 33691693). ClinVar contains an entry for this variant (Variation ID: 143126). An algorithm developed to predict the effect of missense changes on protein structure and function (PolyPhen-2) suggests that this variant is likely to be tolerated. Variants that disrupt the consensus splice site are a relatively common cause of aberrant splicing (PMID: 17576681, 9536098). Algorithms developed to predict the effect of sequence changes on RNA splicing suggest that this variant may disrupt the consensus splice site. For these reasons, this variant has been classified as Pathogenic.

Ocular Genomics Institute, Massachusetts Eye and Ear
Classification: Uncertain significance for Retinitis pigmentosa 14. Last evaluated: 2021-04-08. Review status: criteria provided, single submitter. Criteria: ACMG Guidelines, 2015. Collection method: research. Allele origin: germline. Affected: yes.
Comment: Through a review of available evidence we were able to apply the following criteria: PM2. Based on this evidence we have classified this variant as Variant of Uncertain Significance.

Department of Ophthalmology and Visual Sciences Kyoto University
Classification: Likely pathogenic for Retinitis pigmentosa. Review status: no assertion criteria provided. Collection method: not provided. Allele origin: unknown. Not counted in ClinVar's aggregate classification.
ClinVar note: Converted during submission from probable-pathogenic to Likely pathogenic.

Literature cited by the submitters: PubMed 25324289 (cited by 3billion and Labcorp Genetics (formerly Invitae), Labcorp); PubMed 33691693 (cited by Labcorp Genetics (formerly Invitae), Labcorp); PubMed 17576681 (cited by Labcorp Genetics (formerly Invitae), Labcorp); PubMed 9536098 (cited by Labcorp Genetics (formerly Invitae), Labcorp).

NM_003322.6(TULP1):c.349G>A (p.Glu117Lys)

Gene: TULP1 (TUB like protein 1; minus strand). Cytogenetic location: 6p21.31.
Variant type: single nucleotide variant.
Coding change: c.349G>A on transcript NM_003322.6 (MANE Select); coding-DNA position 349, G replaced by A.
Protein change: p.Glu117Lys; replaces glutamic acid 117 with lysine.
Molecular consequence: missense variant. On other transcripts: intron variant (1).
Genome position (GRCh38, 1-based): chr6:35,511,648, C>T on the plus strand (G>A on the coding strand, the complement: TULP1 is on the minus strand). VCF-style: chr6-35511648-C-T. GRCh37 (hg19) VCF-style: chr6-35479425-C-T.
Other names: c.190+532G>A (NM_001289395.2); short protein forms E117K.
Identifiers: ClinVar variation 143126 (VCV000143126.14), dbSNP rs527236117, ClinGen allele CA270083.